The following is an entry in ClinVar:

NM_006070.6(TFG):c.700A>G (p.Thr234Ala)

Gene: TFG (trafficking from ER to golgi regulator; plus strand). Cytogenetic location: 3q12.2.
Variant type: single nucleotide variant.
Coding change: c.700A>G on transcript NM_006070.6 (MANE Select); coding-DNA position 700, A replaced by G.
Protein change: p.Thr234Ala; replaces threonine 234 with alanine.
Molecular consequence: missense variant.
Genome position (GRCh38, 1-based): chr3:100,736,695, A>G. VCF-style: chr3-100736695-A-G. GRCh37 (hg19) VCF-style: chr3-100455539-A-G.
Other names: c.700A>G, p.Thr234Ala (NM_001007565.2, NM_001195478.2, NM_001195479.2); c.700A>G (NM_006070.5); short protein forms T234A.
Identifiers: ClinVar variation 2090047 (VCV002090047.5), dbSNP rs139601254, ClinGen allele CA2517154.

ClinVar aggregate classification (germline): Uncertain significance. Review status: criteria provided, multiple submitters, no conflicts (2 of 4 stars). 2 submissions from 2 submitters: Uncertain significance (2). Last evaluated 2025-03-07.

Conditions:
Hereditary spastic paraplegia 57. Also called: Spastic paraplegia 57, autosomal recessive. Identifiers: Orphanet 431329, MedGen C3714897, MONDO:0014295, OMIM 615658.
Hereditary motor and sensory neuropathy, Okinawa type (HMSNO). Also called: HEREDITARY MOTOR AND SENSORY NEUROPATHY, PROXIMAL TYPE. Identifiers: Orphanet 90117, MedGen C1858338, MONDO:0011468, OMIM 604484.
Inborn genetic diseases. Identifiers: MedGen C0950123, MeSH D030342.

Allele frequency attached by ClinVar (database versions not stated): gnomAD exomes below 0.00001; ExAC 0.00001; gnomAD 0.00001; TOPMed 0.00001; ESP Exome Variant Server 0.00008.
gnomAD v4.1: 4 of 1,613,852 alleles (0.00025%); highest among the groups gnomAD compares: Non-Finnish European, 0.00034%; no homozygotes.

Submissions (2):

Ambry Genetics
Classification: Uncertain significance for Inborn genetic diseases. Last evaluated: 2025-03-07. Review status: criteria provided, single submitter. Criteria: Ambry Variant Classification Scheme 2023. Collection method: clinical testing. Allele origin: germline.

Labcorp Genetics (formerly Invitae), Labcorp
Classification: Uncertain significance for Hereditary motor and sensory neuropathy, Okinawa type; Hereditary spastic paraplegia 57. Last evaluated: 2024-02-19. Review status: criteria provided, single submitter. Criteria: Invitae Variant Classification Sherloc (09022015). Collection method: clinical testing. Allele origin: germline.
Comment: This sequence change replaces threonine, which is neutral and polar, with alanine, which is neutral and non-polar, at codon 234 of the TFG protein (p.Thr234Ala). This variant is present in population databases (rs139601254, gnomAD 0.0009%). This variant has not been reported in the literature in individuals affected with TFG-related conditions. ClinVar contains an entry for this variant (Variation ID: 2090047). Advanced modeling of protein sequence and biophysical properties (such as structural, functional, and spatial information, amino acid conservation, physicochemical variation, residue mobility, and thermodynamic stability) performed at Invitae indicates that this missense variant is not expected to disrupt TFG protein function with a negative predictive value of 80%. In summary, the available evidence is currently insufficient to determine the role of this variant in disease. Therefore, it has been classified as a Variant of Uncertain Significance.